The following is an entry in ClinVar:

NM_002439.5(MSH3):c.3092G>T (p.Gly1031Val)

Gene: MSH3 (mutS homolog 3; plus strand). Cytogenetic location: 5q14.1.
Variant type: single nucleotide variant.
Coding change: c.3092G>T on transcript NM_002439.5 (MANE Select); coding-DNA position 3092, G replaced by T.
Protein change: p.Gly1031Val; replaces glycine 1031 with valine.
Molecular consequence: missense variant.
Genome position (GRCh38, 1-based): chr5:80,864,904, G>T. VCF-style: chr5-80864904-G-T. GRCh37 (hg19) VCF-style: chr5-80160723-G-T.
Other names: short protein forms G1031V.
Identifiers: ClinVar variation 3727401 (VCV003727401.2).

ClinVar aggregate classification (germline): Uncertain significance (1 of 4 stars; one submission).

gnomAD v4.1: 2 of 1,613,724 alleles (0.00012%); highest among the groups gnomAD compares: African/African-American, 0.0027%; no homozygotes.

Submission:

Labcorp Genetics (formerly Invitae), Labcorp
Classification: Uncertain significance. Last evaluated: 2025-06-18. Review status: criteria provided, single submitter. Criteria: Invitae Variant Classification Sherloc (09022015). Collection method: clinical testing. Allele origin: germline.
Comment: This sequence change replaces glycine, which is neutral and non-polar, with valine, which is neutral and non-polar, at codon 1031 of the MSH3 protein (p.Gly1031Val). This variant is not present in population databases (gnomAD no frequency). This variant has not been reported in the literature in individuals affected with MSH3-related conditions. ClinVar contains an entry for this variant (Variation ID: 3727401). An algorithm developed to predict the effect of missense changes on protein structure and function (PolyPhen-2) suggests that this variant is likely to be disruptive. In summary, the available evidence is currently insufficient to determine the role of this variant in disease. Therefore, it has been classified as a Variant of Uncertain Significance.